The following is an entry in ClinVar:

NM_001197104.2(KMT2A):c.5425C>A (p.Gln1809Lys)

Gene: KMT2A (lysine methyltransferase 2A; plus strand). Cytogenetic location: 11q23.3.
Variant type: single nucleotide variant.
Coding change: c.5425C>A on transcript NM_001197104.2 (MANE Select); coding-DNA position 5425, C replaced by A.
Protein change: p.Gln1809Lys; replaces glutamine 1809 with lysine.
Molecular consequence: missense variant.
Genome position (GRCh38, 1-based): chr11:118,495,761, C>A. VCF-style: chr11-118495761-C-A. GRCh37 (hg19) VCF-style: chr11-118366476-C-A.
Other names: c.5416C>A, p.Gln1806Lys (NM_005933.4); short protein forms Q1806K, Q1809K.
Identifiers: ClinVar variation 1521347 (VCV001521347.8), dbSNP rs2134354930, ClinGen allele CA382838589.

ClinVar aggregate classification (germline): Uncertain significance (1 of 4 stars; one submission).

Submission:

Labcorp Genetics (formerly Invitae), Labcorp
Classification: Uncertain significance. Last evaluated: 2024-11-05. Review status: criteria provided, single submitter. Criteria: Invitae Variant Classification Sherloc (09022015). Collection method: clinical testing. Allele origin: germline.
Comment: This sequence change replaces glutamine, which is neutral and polar, with lysine, which is basic and polar, at codon 1809 of the KMT2A protein (p.Gln1809Lys). This variant is not present in population databases (gnomAD no frequency). This variant has not been reported in the literature in individuals affected with KMT2A-related conditions. ClinVar contains an entry for this variant (Variation ID: 1521347). Invitae Evidence Modeling of protein sequence and biophysical properties (such as structural, functional, and spatial information, amino acid conservation, physicochemical variation, residue mobility, and thermodynamic stability) indicates that this missense variant is not expected to disrupt KMT2A protein function with a negative predictive value of 95%. Algorithms developed to predict the effect of sequence changes on RNA splicing suggest that this variant may create or strengthen a splice site. In summary, the available evidence is currently insufficient to determine the role of this variant in disease. Therefore, it has been classified as a Variant of Uncertain Significance.